The following is an entry in ClinVar:

ClinVar aggregate classification (germline): Likely pathogenic. Review status: reviewed by expert panel (3 of 4 stars). 7 submissions from 7 submitters: Likely pathogenic (1). 6 of the submissions do not count toward it. Last evaluated 2026-08-04.
ClinVar aggregate classification (oncogenicity): Likely oncogenic (1 of 4 stars; one submission).

Conditions:
ATM-related cancer predisposition. Also called: ATM-related cancer susceptibility. Identifiers: MedGen CN377759, MONDO:0700270.
Hereditary cancer-predisposing syndrome. Also called: Neoplastic Syndromes, Hereditary; Hereditary Cancer Syndrome; Tumor predisposition; Hereditary neoplastic syndrome. Identifiers: Orphanet 140162, MedGen C0027672, MeSH D009386, MONDO:0015356.
Ataxia-telangiectasia syndrome (AT). Also called: LOUIS-BAR SYNDROME; Cerebello-oculocutaneous telangiectasia; Immunodeficiency with ataxia telangiectasia; Ataxia-telangiectasia, complementation group D; AT, COMPLEMENTATION GROUP C; Ataxia-telangiectasia, complementation group E. Identifiers: Orphanet 100, MedGen C0004135, MONDO:0008840, OMIM 208900.
Familial cancer of breast. Also called: Hereditary breast cancer; BREAST CANCER, FAMILIAL; hereditary breast carcinoma. Identifiers: Orphanet 227535, MedGen C0346153, MONDO:0016419, OMIM 114480. Disease mechanism: loss of function.
Neoplasm. Also called: tumor; Neoplasms; Neoplasm (disease). Identifiers: MedGen C0027651, MeSH D009369, MONDO:0005070, HP:0002664.

Allele frequency attached by ClinVar (database versions not stated): gnomAD exomes 0.00001 and below 0.00001.
gnomAD v4.1: 2 of 1,613,814 alleles (0.00012%); highest among the groups gnomAD compares: Admixed American, 0.0017%; no homozygotes.

Submissions (8):

ClinGen Hereditary Breast, Ovarian and Pancreatic Cancer Variant Curation Expert Panel, ClinGen
Classification: Likely pathogenic for ATM-related cancer predisposition. Last evaluated: 2026-08-04. Review status: reviewed by expert panel. Criteria: ClinGen HBOP ACMG Specifications ATM V1.5.0. Collection method: curation. Allele origin: germline. Inheritance: Autosomal dominant inheritance.
Comment: The c.8486C>T variant in ATM is a missense variant predicted to cause substitution of proline by leucine at amino acid 2829 (p.Pro2829Leu). This variant has been detected in individual(s) with Ataxia-Telangiectasia (personal communication; PMID: 9711876; PMID: 37438524). This variant has been reported to segregate with Ataxia-Telangiectasia in two affected individuals from one family (personal communication). The highest population minor allele frequency in gnomAD v4.1.0 is 0.00001667 in the Admixed American population (PM2_Supporting, BS1, and BA1 are not met). The computational predictor REVEL gives a score of 0.952, which is above the threshold of 0.733, evidence that correlates with impact to ATM function. In summary, this variant meets the criteria to be classified as likely pathogenic for autosomal dominant ATM-related cancer predisposition and autosomal recessive Ataxia-Telangiectasia based on the ACMG/AMP criteria applied as specified by the HBOP VCEP. (PM3_Strong, PP1, PP3)

Center for Genomic Medicine, Rigshospitalet, Copenhagen University Hospital
Classification: Likely oncogenic for Neoplasm. Last evaluated: 2026-10-16. Review status: criteria provided, single submitter. Criteria: ClinGen/CGC/VICC Guidelines for Oncogenicity, 2022. Collection method: clinical testing. Allele origin: somatic. Affected: yes.

Ambry Genetics
Classification: Likely pathogenic for Hereditary cancer-predisposing syndrome. Last evaluated: 2025-09-16. Review status: criteria provided, single submitter. Criteria: Ambry Variant Classification Scheme 2023. Collection method: clinical testing. Allele origin: germline. Not counted in ClinVar's aggregate classification.
Comment: The p.P2829L variant (also known as c.8486C>T), located in coding exon 57 of the ATM gene, results from a C to T substitution at nucleotide position 8486. The proline at codon 2829 is replaced by leucine, an amino acid with similar properties. This variant has been identified in the homozygous state and/or in conjunction with other ATM variant(s) in individual(s) with features consistent with ataxia-telangiectasia (A-T) (Sasaki T et al. Hum. Mutat. 1998; 12(3):186-95; correspondence with external clinical laboratory). This amino acid position is highly conserved in available vertebrate species. In addition, this alteration is predicted to be deleterious by in silico analysis. Based on the majority of available evidence to date, this variant is likely to be pathogenic.

Labcorp Genetics (formerly Invitae), Labcorp
Classification: Pathogenic for Ataxia-telangiectasia syndrome. Last evaluated: 2025-06-04. Review status: criteria provided, single submitter. Criteria: Invitae Variant Classification Sherloc (09022015). Collection method: clinical testing. Allele origin: germline. Not counted in ClinVar's aggregate classification.
Comment: This sequence change replaces proline, which is neutral and non-polar, with leucine, which is neutral and non-polar, at codon 2829 of the ATM protein (p.Pro2829Leu). This variant is present in population databases (no rsID available, gnomAD 0.007%). This missense change has been observed in individual(s) with ataxia-telangiectasia and/or autosomal recessive ATM-related conditions (PMID: 9711876; internal data). In at least one individual the data is consistent with being in trans (on the opposite chromosome) from a pathogenic variant. It has also been observed to segregate with disease in related individuals. ClinVar contains an entry for this variant (Variation ID: 418777). Invitae Evidence Modeling of protein sequence and biophysical properties (such as structural, functional, and spatial information, amino acid conservation, physicochemical variation, residue mobility, and thermodynamic stability) indicates that this missense variant is expected to disrupt ATM protein function with a positive predictive value of 95%. For these reasons, this variant has been classified as Pathogenic.

Myriad Genetics, Inc.
Classification: Likely pathogenic for Familial cancer of breast. Last evaluated: 2025-02-27. Review status: criteria provided, single submitter. Criteria: Myriad Autosomal Dominant, Autosomal Recessive and X-Linked Classification Criteria (2023). Collection method: clinical testing. Allele origin: unknown. Not counted in ClinVar's aggregate classification.
Comment: This variant is considered likely pathogenic. This variant has been reported in multiple individuals with clinical features of gene-specific disease [PMID: 9711876, 37438524, external communications]. This variant is expected to disrupt protein structure [Myriad internal data].

Quest Diagnostics Nichols Institute San Juan Capistrano
Classification: Uncertain significance. Last evaluated: 2025-02-04. Review status: criteria provided, single submitter. Criteria: Quest Diagnostics criteria. Collection method: clinical testing. Allele origin: unknown. Not counted in ClinVar's aggregate classification.

Women's Health and Genetics/Laboratory Corporation of America, LabCorp
Classification: Pathogenic for Ataxia-telangiectasia syndrome. Last evaluated: 2024-12-18. Review status: criteria provided, single submitter. Criteria: LabCorp Variant Classification Summary - May 2015. Collection method: clinical testing. Allele origin: germline. Not counted in ClinVar's aggregate classification.
Comment: Variant summary: ATM c.8486C>T (p.Pro2829Leu) results in a non-conservative amino acid change located in the Phosphatidylinositol 3-/4-kinase, catalytic domain (IPR000403) of the encoded protein sequence. Five of five in-silico tools predict a damaging effect of the variant on protein function. The variant allele was found at a frequency of 1.1e-05 in 276246 control chromosomes. c.8486C>T has been reported in multiple homozygous or compound heterozygous individuals affected with Ataxia-Telangiectasia (Sasaki_1998; Labcorp, formerly Invitae). These data indicate that the variant is very likely to be associated with disease. To our knowledge, no experimental evidence demonstrating an impact on protein function has been reported. The following publications have been ascertained in the context of this evaluation (PMID: 30287823, 9711876). ClinVar contains an entry for this variant (Variation ID: 418777). Based on the evidence outlined above, the variant was classified as pathogenic.

GeneDx
Classification: Uncertain significance. Last evaluated: 2015-03-31. Review status: criteria provided, single submitter. Criteria: GeneDx Variant Classification (06012015). Collection method: clinical testing. Allele origin: germline. Affected: yes. Not counted in ClinVar's aggregate classification.
Comment: This variant is denoted ATM c.8486C>T at the cDNA level, p.Pro2829Leu (P2829L) at the protein level, and results in the change of a Proline to a Leucine (CCA>CTA). This variant was observed in the reportedly homozygous state in a case of Ataxia-Telangiectasia (Sasaki 1998). ATM Pro2829Leu was not observed in approximately 6,500 individuals of European and African American ancestry in the NHLBI Exome Sequencing Project, indicating it is not a common benign variant in these populations. Since Proline and Leucine differ in some properties, this is considered a semi-conservative amino acid substitution. ATM Pro2829Leu occurs at a position that is conserved across species and is located in the PI3K/PI4K domain (UniProt). Published computational methods by Doss et al. (2012) and in house in silico analyses predict that this variant is probably damaging to protein structure and function. Based on currently available information, it is unclear whether ATM Pro2829Leu is pathogenic or benign. We consider it to be a variant of uncertain significance.

Literature cited by the submitters: PubMed 30287823 (cited by Ambry Genetics and Women's Health and Genetics/Laboratory Corporation of America, LabCorp); PubMed 9711876 (cited by 4 submitters); PubMed 37438524 (cited by Myriad Genetics, Inc.).

NM_000051.4(ATM):c.8486C>T (p.Pro2829Leu)

Genes: C11orf65 (chromosome 11 open reading frame 65; minus strand), ATM (ATM serine/threonine kinase; plus strand). Cytogenetic location: 11q22.3.
Variant type: single nucleotide variant.
Coding change: c.8486C>T on transcript NM_000051.4 (MANE Select); coding-DNA position 8486, C replaced by T.
Protein change: p.Pro2829Leu; replaces proline 2829 with leucine.
Molecular consequence: missense variant. On other transcripts: intron variant (2).
Genome position (GRCh38, 1-based): chr11:108,345,810, C>T. VCF-style: chr11-108345810-C-T. GRCh37 (hg19) VCF-style: chr11-108216537-C-T.
Other names: NM_000051.4(ATM):c.8486C>T; p.Pro2829Leu; c.8486C>T, p.Pro2829Leu (NM_001351834.2); c.641-36739G>A (NM_001330368.2); c.695-10518G>A (NM_001351110.2); short protein forms P2829L.
Identifiers: ClinVar variation 418777 (VCV000418777.23), dbSNP rs938431501, ClinGen allele CA16619259.
Genomic context (GRCh38, chr11:108,345,810, plus strand): 5'-AAAAAAAGTCTTTTGAAGAGAAATATGAAGTCTTCATGGATGTTTGCCAAAATTTTCAAC[C>T]AGTTTTCCGTTACTTCTGCATGGAAAAATTCTTGGATCCAGCTATTTGGTTTGAGAAGCG-3'
Protein context (NP_000042.3, residues 2819-2839): VFMDVCQNFQ[Pro2829Leu]VFRYFCMEKF